The following is an entry in ClinVar:

ClinVar aggregate classification (germline): Uncertain significance (1 of 4 stars; one submission).

gnomAD v4.1: 3 of 1,613,832 alleles (0.00019%); highest among the groups gnomAD compares: Admixed American, 0.0017%; no homozygotes.

Submission:

Labcorp Genetics (formerly Invitae), Labcorp
Classification: Uncertain significance. Last evaluated: 2025-11-12. Review status: criteria provided, single submitter. Criteria: Invitae Variant Classification Sherloc (09022015). Collection method: clinical testing. Allele origin: germline.
Comment: This sequence change replaces asparagine, which is neutral and polar, with serine, which is neutral and polar, at codon 679 of the RHOBTB2 protein (p.Asn679Ser). This variant is present in population databases (no rsID available, gnomAD 0.002%). This variant has not been reported in the literature in individuals affected with RHOBTB2-related conditions. ClinVar contains an entry for this variant (Variation ID: 3612402). Invitae Evidence Modeling of protein sequence and biophysical properties (such as structural, functional, and spatial information, amino acid conservation, physicochemical variation, residue mobility, and thermodynamic stability) indicates that this missense variant is not expected to disrupt RHOBTB2 protein function with a negative predictive value of 80%. Algorithms developed to predict the effect of sequence changes on RNA splicing suggest that this variant may create or strengthen a splice site. In summary, the available evidence is currently insufficient to determine the role of this variant in disease. Therefore, it has been classified as a Variant of Uncertain Significance.

NM_015178.3(RHOBTB2):c.1970A>G (p.Asn657Ser)

Gene: RHOBTB2 (Rho related BTB domain containing 2; plus strand). Cytogenetic location: 8p21.3.
Variant type: single nucleotide variant.
Coding change: c.1970A>G on transcript NM_015178.3 (MANE Select); coding-DNA position 1970, A replaced by G.
Protein change: p.Asn657Ser; replaces asparagine 657 with serine.
Molecular consequence: missense variant.
Genome position (GRCh38, 1-based): chr8:23,017,255, A>G. VCF-style: chr8-23017255-A-G. GRCh37 (hg19) VCF-style: chr8-22874768-A-G.
Other names: c.2036A>G, p.Asn679Ser (NM_001160036.2); c.1991A>G, p.Asn664Ser (NM_001160037.2); c.1970A>G, p.Asn657Ser (NM_001374791.1); short protein forms N657S, N664S, N679S.
Identifiers: ClinVar variation 3612402 (VCV003612402.2).
Genomic context (GRCh38, chr8:23,017,255, plus strand): 5'-ACGTTCCTCTTGTCCCTCTGCCTCCTTTCTAACCAAGCTGCCTGCTCTCTGCTCCAGAAA[A>G]CCAGGAGTATTTCGAGAAGCATCGGTGGCCACCTGTGTGGTACCTGAAGGAGGAAGATCA-3'
Protein context (NP_055993.2, residues 647-667): PRDMKAMSPE[Asn657Ser]QEYFEKHRWP